The following is an entry in ClinVar:

NM_020937.4(FANCM):c.4363A>G (p.Lys1455Glu)

Gene: FANCM (FA complementation group M; plus strand). Cytogenetic location: 14q21.2.
Variant type: single nucleotide variant.
Coding change: c.4363A>G on transcript NM_020937.4 (MANE Select); coding-DNA position 4363, A replaced by G.
Protein change: p.Lys1455Glu; replaces lysine 1455 with glutamic acid.
Molecular consequence: missense variant.
Genome position (GRCh38, 1-based): chr14:45,181,682, A>G. VCF-style: chr14-45181682-A-G. GRCh37 (hg19) VCF-style: chr14-45650885-A-G.
Other names: c.4285A>G, p.Lys1429Glu (NM_001308133.2); short protein forms K1429E, K1455E.
Identifiers: ClinVar variation 4619573 (VCV004619573.1).

ClinVar aggregate classification (germline): Uncertain significance (1 of 4 stars; one submission).

Conditions:
Inborn genetic diseases. Identifiers: MedGen C0950123, MeSH D030342.

gnomAD v4.1: 1 of 1,610,450 alleles (0.000062%); highest among the groups gnomAD compares: Non-Finnish European, 0.000085%; no homozygotes.

Submission:

Ambry Genetics
Classification: Uncertain significance for Inborn genetic diseases. Last evaluated: 2025-11-10. Review status: criteria provided, single submitter. Criteria: Ambry Variant Classification Scheme 2023. Collection method: clinical testing. Allele origin: germline.
Comment: The p.K1455E variant (also known as c.4363A>G), located in coding exon 16 of the FANCM gene, results from an A to G substitution at nucleotide position 4363. The lysine at codon 1455 is replaced by glutamic acid, an amino acid with similar properties. This amino acid position is conserved. In addition, this alteration is predicted to be tolerated by in silico analysis. Based on the available evidence, the clinical significance of this variant remains unclear.